The following is an entry in ClinVar:

NM_016203.4(PRKAG2):c.670G>A (p.Ala224Thr)

Gene: PRKAG2 (protein kinase AMP-activated non-catalytic subunit gamma 2; minus strand). Cytogenetic location: 7q36.1.
Variant type: single nucleotide variant.
Coding change: c.670G>A on transcript NM_016203.4 (MANE Select); coding-DNA position 670, G replaced by A.
Protein change: p.Ala224Thr; replaces alanine 224 with threonine.
Molecular consequence: missense variant.
Genome position (GRCh38, 1-based): chr7:151,675,434, C>T on the plus strand (G>A on the coding strand, the complement: PRKAG2 is on the minus strand). VCF-style: chr7-151675434-C-T. GRCh37 (hg19) VCF-style: chr7-151372520-C-T.
Other names: c.538G>A, p.Ala180Thr (NM_001040633.2, NM_001407024.1, NM_001407026.1 and 1 more transcripts); c.298G>A, p.Ala100Thr (NM_001304527.2, NM_001363698.2, NM_001407028.1 and 1 more transcripts); c.670G>A, p.Ala224Thr (NM_001407021.1, NM_001407022.1, NM_001407023.1); c.352G>A, p.Ala118Thr (NM_001407032.1); c.670G>A (NM_016203.3); short protein forms A224T, A100T, A118T, A180T.
Identifiers: ClinVar variation 2042867 (VCV002042867.6), dbSNP rs1832759284, ClinGen allele CA370186846.
Genomic context (GRCh38, chr7:151,675,434, plus strand): 5'-CCCTCTGCCACCCGGCAGCCCCACCCACAGAAGGGCCCAGACTTACGGCTTTGGAGGGAG[C>T]ATAGTGTGTCGGTGATGCCAGTGGAGGCCTGGTCGGGCTCTGGAAGGAAGACGGGCAGAA-3'
Protein context (NP_057287.2, residues 214-234): RPPLASPTHY[Ala224Thr]PSKAAALAAA

ClinVar aggregate classification (germline): Uncertain significance. Review status: criteria provided, multiple submitters, no conflicts (2 of 4 stars). 3 submissions from 3 submitters: Uncertain significance (3). Last evaluated 2025-10-03.

Conditions:
Lethal congenital glycogen storage disease of heart. Also called: GLYCOGEN STORAGE DISEASE OF HEART; PHOSPHORYLASE KINASE DEFICIENCY OF HEART. Identifiers: Orphanet 439854, MedGen C1849813, MONDO:0009867, OMIM 261740.
Hypertrophic cardiomyopathy. Also called: HYPERTROPHIC MYOCARDIOPATHY. Identifiers: Orphanet 217569, MedGen C0007194, MeSH D002312, MONDO:0005045, HP:0001639.

Allele frequency attached by ClinVar (database versions not stated): gnomAD exomes below 0.00001; TOPMed below 0.00001.
gnomAD v4.1: 7 of 1,614,058 alleles (0.00043%); highest among the groups gnomAD compares: Admixed American, 0.0017%; no homozygotes.

Submissions (3):

GeneDx
Classification: Uncertain significance. Last evaluated: 2025-10-03. Review status: criteria provided, single submitter. Criteria: GeneDx Variant Classification Process June 2021. Collection method: clinical testing. Allele origin: germline.
Comment: Identified in a cohort of patients with sudden unexplained death; however detailed clinical information was not provided (PMID: 29247119); Not observed at significant frequency in large population cohorts (gnomAD); In silico analysis suggests that this missense variant does not alter protein structure/function; This variant is associated with the following publications: (PMID: 29247119)

Labcorp Genetics (formerly Invitae), Labcorp
Classification: Uncertain significance for Lethal congenital glycogen storage disease of heart. Last evaluated: 2024-07-19. Review status: criteria provided, single submitter. Criteria: Invitae Variant Classification Sherloc (09022015). Collection method: clinical testing. Allele origin: germline.
Comment: This sequence change replaces alanine, which is neutral and non-polar, with threonine, which is neutral and polar, at codon 224 of the PRKAG2 protein (p.Ala224Thr). This variant is not present in population databases (gnomAD no frequency). This variant has not been reported in the literature in individuals affected with PRKAG2-related conditions. ClinVar contains an entry for this variant (Variation ID: 2042867). Advanced modeling of protein sequence and biophysical properties (such as structural, functional, and spatial information, amino acid conservation, physicochemical variation, residue mobility, and thermodynamic stability) performed at Invitae indicates that this missense variant is not expected to disrupt PRKAG2 protein function with a negative predictive value of 95%. In summary, the available evidence is currently insufficient to determine the role of this variant in disease. Therefore, it has been classified as a Variant of Uncertain Significance.

All of Us Research Program, National Institutes of Health
Classification: Uncertain significance for Hypertrophic cardiomyopathy. Last evaluated: 2023-08-15. Review status: criteria provided, single submitter. Criteria: ACMG Guidelines, 2015. Collection method: clinical testing. Allele origin: germline. Inheritance: Autosomal dominant inheritance. Observed: 1 variant allele, 1 heterozygote.
Comment: This missense variant replaces alanine with threonine at codon 224 of the PRKAG2 protein. Computational prediction suggests that this variant may not impact protein structure and function (internally defined REVEL score threshold <= 0.5, PMID: 27666373). To our knowledge, functional studies have not been reported for this variant. This variant has not been reported in individuals affected with PRKAG2-related disorders in the literature. This variant has not been identified in the general population by the Genome Aggregation Database (gnomAD). The available evidence is insufficient to determine the role of this variant in disease conclusively. Therefore, this variant is classified as a Variant of Uncertain Significance.

This study involves interpretation of variants in research participants for the purpose of population health screening. Participant phenotype was not available at the time of variant classification. Additional details can be found in publication PMID: 35346344, PMCID: PMC8962531